The following is an entry in ClinVar:

ClinVar aggregate classification (germline): Pathogenic/Likely pathogenic. Review status: criteria provided, multiple submitters, no conflicts (2 of 4 stars). 33 submissions from 32 submitters: Pathogenic (24); Likely pathogenic (4). 5 of the submissions do not count toward it. Last evaluated 2026-01-01.

Conditions:
ATM-related disorder. Also called: ATM-related disorders; ATM-related condition.
Gastric cancer. Also called: Malignant tumor of stomach; Stomach cancer. Identifiers: MedGen C0024623, MeSH D013274, MONDO:0001056, OMIM 613659, HP:0012126.
ATM-related cancer predisposition. Also called: ATM-related cancer susceptibility. Identifiers: MedGen CN377759, MONDO:0700270.
Inherited breast cancer and ovarian cancer.
Familial cancer of breast. Also called: hereditary breast carcinoma; BREAST CANCER, FAMILIAL; Hereditary breast cancer. Identifiers: Orphanet 227535, MedGen C0346153, MONDO:0016419, OMIM 114480. Disease mechanism: loss of function.
Ataxia-telangiectasia syndrome (AT). Also called: ATAXIA-TELANGIECTASIA, COMPLEMENTATION GROUP A; ATAXIA-TELANGIECTASIA, FRESNO VARIANT; Ataxia-telangiectasia; Ataxia-telangiectasia, complementation group E; Cerebello-oculocutaneous telangiectasia; Immunodeficiency with ataxia telangiectasia. Identifiers: Orphanet 100, MedGen C0004135, MONDO:0008840, OMIM 208900.
Adenocarcinoma. Identifiers: MedGen C0001418, MONDO:0004970.
Hereditary cancer-predisposing syndrome. Also called: Hereditary Cancer Syndrome; Tumor predisposition; Neoplastic Syndromes, Hereditary; Hereditary neoplastic syndrome. Identifiers: Orphanet 140162, MedGen C0027672, MeSH D009386, MONDO:0015356.
Carcinoma of pancreas. Also called: Exocrine pancreatic carcinoma; Pancreatic cancer, somatic; Pancreatic carcinoma, somatic; PANCREATIC ACINAR CARCINOMA; PANCREATIC CARCINOMA. Identifiers: Orphanet 1333, Orphanet 217074, MedGen C0235974, MONDO:0005192. Disease mechanism: loss of function.
Breast carcinoma. Also called: Carcinoma of breast. Identifiers: MedGen C0678222, MONDO:0004989, HP:0003002.

Allele frequency attached by ClinVar (database versions not stated): TOPMed below 0.00001; gnomAD 0.00001; ESP Exome Variant Server 0.00008; gnomAD exomes 0.00001 and 0.00003; ExAC 0.00004.
gnomAD v4.1: 13 of 1,610,458 alleles (0.00081%); highest among the groups gnomAD compares: Non-Finnish European, 0.0011%; no homozygotes.

Submissions 1 to 8 of 34:

CeGaT Center for Human Genetics Tuebingen
Classification: Pathogenic. Last evaluated: 2026-01-01. Review status: criteria provided, single submitter. Criteria: CeGaT Center For Human Genetics Tuebingen Variant Classification Criteria Version 2. Collection method: clinical testing. Allele origin: germline. Affected: yes. Observed: 9 variant alleles.
Comment: ATM: PVS1, PM2, PS4:Moderate

Center for Genomic Medicine, Rigshospitalet, Copenhagen University Hospital
Classification: Pathogenic. Last evaluated: 2025-12-29. Review status: criteria provided, single submitter. Criteria: ACMG Guidelines, 2015. Collection method: clinical testing. Allele origin: germline.
Comment: Classification criteria: PVS1, PM3, PM2_Supporting

Labcorp Genetics (formerly Invitae), Labcorp
Classification: Pathogenic for Ataxia-telangiectasia syndrome. Last evaluated: 2025-11-20. Review status: criteria provided, single submitter. Criteria: Invitae Variant Classification Sherloc (09022015). Collection method: clinical testing. Allele origin: germline.
Comment: This sequence change replaces arginine, which is basic and polar, with lysine, which is basic and polar, at codon 2032 of the ATM protein (p.Arg2032Lys). RNA analysis indicates that this missense change induces altered splicing and may result in an absent or altered protein product. This variant is present in population databases (rs139770721, gnomAD 0.006%). This missense change has been observed in individuals with ataxia-telangiectasia, pancreatic cancer, or gastric cancer (PMID: 9887333, 10330348, 10980530, 16266405, 22585167, 25614872, 26506520, 27159176). ClinVar contains an entry for this variant (Variation ID: 181974). An algorithm developed to predict the effect of missense changes on protein structure and function (PolyPhen-2) suggests that this variant is likely to be disruptive. Variants that disrupt the consensus splice site are a relatively common cause of aberrant splicing (PMID: 17576681, 9536098). Studies have shown that this missense change results in skipping of exon 41 (also referred to as exon 43) , and produces a non-functional protein and/or introduces a premature termination codon (PMID: 9887333; internal data). For these reasons, this variant has been classified as Pathogenic.

Natera, Inc.
Classification: Pathogenic for Ataxia-telangiectasia. Last evaluated: 2025-11-03. Review status: criteria provided, single submitter. Criteria: Natera Variant Classification Schema (03/2026). Collection method: clinical testing. Allele origin: germline.
Comment: The c.6095G>A variant in ATM is a missense variant predicted to cause substitution of arginine to lysine at amino acid 2032. This variant is rare in the general population with a frequency below the threshold expected for the associated phenotype(s). This variant has been observed in one or more individuals affected with the associated recessive disease, as either homozygous or compound heterozygous with a second variant (PMID: 31921190, 30772474). Computational prediction algorithms indicate this variant is likely to affect gene or protein function. Given the available evidence, this variant is classified as Pathogenic.

Institute of Human Genetics, University of Leipzig Medical Center
Classification: Pathogenic for Familial cancer of breast. Last evaluated: 2025-10-20. Review status: criteria provided, single submitter. Criteria: ACMG Guidelines, 2015. Collection method: clinical testing. Allele origin: unknown. Inheritance: Autosomal dominant inheritance. Affected: yes.
Comment: Criteria applied: PVS1_STR,PM3_STR,PM2_SUP,PP3

Ambry Genetics
Classification: Pathogenic for Hereditary cancer-predisposing syndrome. Last evaluated: 2025-10-10. Review status: criteria provided, single submitter. Criteria: Ambry Variant Classification Scheme 2023. Collection method: clinical testing. Allele origin: germline.
Comment: The c.6095G>A pathogenic mutation (also known as p.R2032K), located in coding exon 40 of the ATM gene, results from a G to A substitution at nucleotide position 6095. The amino acid change results in arginine to lysine at codon 2032, an amino acid with highly similar properties. This alteration has been described as a founder mutation in the Polish population and has been detected in conjunction with a second mutation in numerous probands with ataxia-telangiectasia (A-T) (Li A and Swift M. Am. J. Med. Genet. 2000 May;92:170-7; Mitui M et al. Ann. Hum. Genet. 2005 Nov;69(Pt 6):657-64. Podralska MJ et al. Mol Genet Genomic Med. 2014 Nov;2:504-11; Beier R et al. Bone Marrow Transplant. 2016 09;51:1271-4). This variant has also been reported in high-risk breast cancer cohorts (Schubert S et al. Int. J. Cancer 2018 Nov; Podralska M et al. Mol Genet Genomic Med 2014 Nov;2(6):504-11). This change occurs in the highly-conserved last base pair of coding exon 40, which makes it likely to have some effect on normal mRNA splicing. RT-PCR analysis performed on RNA isolated from an A-T individual with this alteration was reported to result in exon skipping (Sandoval N et al. Hum. Mol. Genet. 1999 Jan;8:69-79). RNA studies have shown the same abnormal splicing event reported in the literature (Ambry internal data). Based on the supporting evidence, this alteration is interpreted as a disease-causing mutation.

Cambridge Genomics Laboratory, East Genomic Laboratory Hub, NHS Genomic Medicine Service
Classification: Pathogenic for Inherited breast cancer and ovarian cancer. Last evaluated: 2025-08-07. Review status: criteria provided, single submitter. Criteria: ACGS Best Practice Guidelines for Variant Classification in Rare Disease 2020. Collection method: clinical testing. Allele origin: germline. Affected: yes.
Comment: PVS1,PM2_Supporting,PM3_Strong,PM5_Supporting

PreventionGenetics, part of Exact Sciences
Classification: Pathogenic for ATM-related condition. Last evaluated: 2025-03-20. Review status: criteria provided, single submitter. Criteria: ACMG Guidelines, 2015. Collection method: clinical testing. Allele origin: germline.
Comment: The ATM c.6095G>A variant is predicted to result in the amino acid substitution p.Arg2032Lys. Of note, this variant occurs at the last nucleotide of the exon and is predicted to significantly weaken the donor splice site (SpliceAI, Jaganathan et al. 2019. PubMed ID: 30661751), and exon skipping was observed in analyses from patient lymphocytes (Sandoval et al 1999. PubMed ID: 9887333). This variant has been observed in the compound heterozygous or homozygous state in individuals with ataxia telangiectasia (Sandoval. 1999. PubMed ID: 9887333; Teraoka et al. 1999. PubMed ID: 10330348; Mitui et al. 2005. PubMed ID: 16266405). The c.6095G>A variant has also been reported in the heterozygous state in several individuals with pancreatic cancer, gastric cancer, prostate cancer, and breast cancer (Roberts et al. 2012. PubMed ID: 22585167; Huang et al. 2015. PubMed ID: 26506520; Table 1, Wokołorczyk D et al 2020. PubMed ID: 32875559; Schubert S et al 2019. PubMed ID: 30426508). It has been reported as a germline variant in a patient with chronic lymphocytic leukemia (Table S2. Petrackova et al. 2022. PubMed ID: 36029002). This variant is reported in 0.0062% of alleles in individuals of European (Non-Finnish) descent in gnomAD. In ClinVar, this variant is reported as likely pathogenic and pathogenic. This variant is interpreted as pathogenic.

NM_000051.4(ATM):c.6095G>A (p.Arg2032Lys)

Genes: C11orf65 (chromosome 11 open reading frame 65; minus strand), ATM (ATM serine/threonine kinase; plus strand). Cytogenetic location: 11q22.3.
Variant type: single nucleotide variant.
Coding change: c.6095G>A on transcript NM_000051.4 (MANE Select); coding-DNA position 6095, G replaced by A.
Protein change: p.Arg2032Lys; replaces arginine 2032 with lysine.
Molecular consequence: missense variant. On other transcripts: intron variant (2).
Genome position (GRCh38, 1-based): chr11:108,315,911, G>A. VCF-style: chr11-108315911-G-A. GRCh37 (hg19) VCF-style: chr11-108186638-G-A.
Other names: p.R2032K:AGA>AAA; c.6095G>A, p.Arg2032Lys (NM_001351834.2); c.641-6840C>T (NM_001330368.2); c.*39-6840C>T (NM_001351110.2); short protein forms R2032K.
Identifiers: ClinVar variation 181974 (VCV000181974.90), dbSNP rs139770721, ClinGen allele CA298296.